The following is an entry in ClinVar:

ClinVar aggregate classification (germline): Conflicting classifications of pathogenicity. Review status: criteria provided, conflicting classifications (1 of 4 stars). 8 submissions from 8 submitters: Uncertain significance (1); Benign (2); Likely benign (3). 2 of the submissions do not count toward it. Last evaluated 2026-02-03.

Conditions:
FG syndrome (FGS). Identifiers: MedGen C0220769, MONDO:0002010.
Familial thoracic aortic aneurysm and aortic dissection (TAAD). Also called: Thoracic aortic aneurysms and dissections. Identifiers: Orphanet 91387, MedGen C4707243, MONDO:0019625.

Allele frequency attached by ClinVar (database versions not stated): 1000 Genomes Project 0.00079; 1000 Genomes Project 30x 0.00125; TOPMed 0.00251; gnomAD 0.00301 and 0.00307; ExAC 0.00313; ESP Exome Variant Server 0.00314; gnomAD exomes 0.00316 and 0.00482.
gnomAD v4.1: 5,615 of 1,209,524 alleles (0.46%); highest among the groups gnomAD compares: Non-Finnish European, 0.56%; 16 homozygotes.

Submissions (8):

Labcorp Genetics (formerly Invitae), Labcorp
Classification: Benign for FG syndrome. Last evaluated: 2026-02-03. Review status: criteria provided, single submitter. Criteria: Invitae Variant Classification Sherloc (09022015). Collection method: clinical testing. Allele origin: germline.

Blueprint Genetics
Classification: Likely benign. Last evaluated: 2024-11-28. Review status: criteria provided, single submitter. Criteria: ACMG Guidelines, 2015. Collection method: clinical testing. Allele origin: germline.

Center for Pediatric Genomic Medicine, Children's Mercy Hospital and Clinics
Classification: Likely benign. Last evaluated: 2017-06-21. Review status: criteria provided, single submitter. Criteria: ACMG Guidelines, 2015. Collection method: clinical testing. Allele origin: germline.

Ambry Genetics
Classification: Likely benign for Familial thoracic aortic aneurysm and aortic dissection. Last evaluated: 2015-06-02. Review status: criteria provided, single submitter. Criteria: Ambry Variant Classification Scheme 2023. Collection method: clinical testing. Allele origin: germline.

GeneDx
Classification: Benign. Last evaluated: 2014-06-06. Review status: criteria provided, single submitter. Criteria: GeneDx Variant Classification (06012015). Collection method: clinical testing. Allele origin: germline. Affected: yes.
Comment: This variant is considered likely benign or benign based on one or more of the following criteria: it is a conservative change, it occurs at a poorly conserved position in the protein, it is predicted to be benign by multiple in silico algorithms, and/or has population frequency not consistent with disease.

Genetic Services Laboratory, University of Chicago
Classification: Uncertain significance. Last evaluated: 2013-06-12. Review status: criteria provided, single submitter. Criteria: ACMG Guidelines, 2007. Collection method: clinical testing. Allele origin: germline.

Diagnostic Laboratory, Department of Genetics, University Medical Center Groningen
Classification: Likely benign. Review status: no assertion criteria provided. Collection method: clinical testing. Allele origin: germline. Affected: yes. Study: VKGL Data-share Consensus. Not counted in ClinVar's aggregate classification.

Genome Diagnostics Laboratory, University Medical Center Utrecht
Classification: Benign. Review status: no assertion criteria provided. Collection method: clinical testing. Allele origin: germline. Affected: yes. Study: VKGL Data-share Consensus. Not counted in ClinVar's aggregate classification.

NM_005120.3(MED12):c.1248+15T>C

Gene: MED12 (mediator complex subunit 12; plus strand). Cytogenetic location: Xq13.1.
Variant type: single nucleotide variant.
Coding change: c.1248+15T>C on transcript NM_005120.3 (MANE Select); 15 bases into the intron after coding-DNA position 1248, T replaced by C.
Molecular consequence: intron variant.
Genome position (GRCh38, 1-based): chrX:71,122,361, T>C. VCF-style: chrX-71122361-T-C. GRCh37 (hg19) VCF-style: chrX-70342211-T-C.
Identifiers: ClinVar variation 138198 (VCV000138198.23), dbSNP rs187377817, ClinGen allele CA207502.